The following is an entry in ClinVar:

NM_000070.3(CAPN3):c.1712del (p.Leu571fs)

Gene: CAPN3 (calpain 3; plus strand). Cytogenetic location: 15q15.1.
Variant type: Deletion.
Coding change: c.1712del on transcript NM_000070.3 (MANE Select); coding-DNA position 1712, one base deleted (T; older notation c.1712delT).
Protein change: p.Leu571fs; shifts the reading frame from leucine 571.
Molecular consequence: frameshift variant.
Genome position (GRCh38, 1-based): chr15:42,402,969, T deleted. VCF-style (leftmost placement, unchanged base first): chr15-42402968-CT-C. GRCh37 (hg19) VCF-style: chr15-42695166-CT-C.
Other names: c.1712del, p.Leu571fs (NM_024344.2); c.1568del, p.Leu523fs (NM_173087.2); c.176del, p.Leu59fs (NM_173088.2); c.*828delT (NM_212464.2); c.*1405delT (NM_212467.2); short protein forms L523fs, L59fs, L571fs.
Identifiers: ClinVar variation 2765614 (VCV002765614.3), dbSNP rs2548279560, ClinGen allele CA2697554366.

ClinVar aggregate classification (germline): Pathogenic (1 of 4 stars; one submission).

Conditions:
Autosomal recessive limb-girdle muscular dystrophy type 2A (LGMDR1). Also called: LEYDEN-MOEBIUS MUSCULAR DYSTROPHY; MUSCULAR DYSTROPHY, PELVOFEMORAL; Limb-girdle muscular dystrophy, type 2A; Calpainopathy; Muscular dystrophy, limb-girdle, type 2A, Amish. Identifiers: Orphanet 267, MedGen C1869123, MONDO:0009675, OMIM 253600. Disease mechanism: loss of function.

Submission:

Labcorp Genetics (formerly Invitae), Labcorp
Classification: Pathogenic for Autosomal recessive limb-girdle muscular dystrophy type 2A. Last evaluated: 2023-11-13. Review status: criteria provided, single submitter. Criteria: Invitae Variant Classification Sherloc (09022015). Collection method: clinical testing. Allele origin: germline.
Comment: This sequence change creates a premature translational stop signal (p.Leu571Profs*24) in the CAPN3 gene. It is expected to result in an absent or disrupted protein product. Loss-of-function variants in CAPN3 are known to be pathogenic (PMID: 10330340, 15689361). This variant is not present in population databases (gnomAD no frequency). This variant has not been reported in the literature in individuals affected with CAPN3-related conditions. For these reasons, this variant has been classified as Pathogenic.

Literature cited by the submitters: PubMed 10330340; PubMed 15689361.